The following is an entry in ClinVar:

ClinVar aggregate classification (germline): Uncertain significance. Review status: criteria provided, multiple submitters, no conflicts (2 of 4 stars). 2 submissions from 2 submitters: Uncertain significance (2). Last evaluated 2025-01-21.

Allele frequency attached by ClinVar (database versions not stated): TOPMed 0.00002; gnomAD exomes 0.00002; ExAC 0.00002.

Submissions (2):

Labcorp Genetics (formerly Invitae), Labcorp
Classification: Uncertain significance. Last evaluated: 2025-01-21. Review status: criteria provided, single submitter. Criteria: Invitae Variant Classification Sherloc (09022015). Collection method: clinical testing. Allele origin: germline.
Comment: This sequence change replaces valine, which is neutral and non-polar, with methionine, which is neutral and non-polar, at codon 629 of the HK1 protein (p.Val629Met). This variant is present in population databases (rs751479272, gnomAD 0.01%). This variant has not been reported in the literature in individuals affected with HK1-related conditions. ClinVar contains an entry for this variant (Variation ID: 1006734). Invitae Evidence Modeling of protein sequence and biophysical properties (such as structural, functional, and spatial information, amino acid conservation, physicochemical variation, residue mobility, and thermodynamic stability) has been performed for this missense variant. However, the output from this modeling did not meet the statistical confidence thresholds required to predict the impact of this variant on HK1 protein function. In summary, the available evidence is currently insufficient to determine the role of this variant in disease. Therefore, it has been classified as a Variant of Uncertain Significance.

Dasa
Classification: Uncertain significance. Last evaluated: 2024-11-11. Review status: criteria provided, single submitter. Criteria: DASA Assertion Criteria. Collection method: clinical testing. Allele origin: germline.
Comment: NM_000188.3(HK1):c.1885G>A (p.Val629Met) is a missense variant that results in the substitution of valine with methionine. This variant is rare in population databases. Computational prediction algorithms are consistent with a deleterious effect. The currently available literature and clinical evidence are not sufficient to establish a definitive association between this variant and the reported condition. Therefore, this variant is classified as a variant of uncertain significance.

NM_000188.3(HK1):c.1885G>A (p.Val629Met)

Gene: HK1 (hexokinase 1; plus strand). Cytogenetic location: 10q22.1.
Variant type: single nucleotide variant.
Coding change: c.1885G>A on transcript NM_000188.3 (MANE Select); coding-DNA position 1885, G replaced by A.
Protein change: p.Val629Met; replaces valine 629 with methionine.
Molecular consequence: missense variant.
Genome position (GRCh38, 1-based): chr10:69,386,368, G>A. VCF-style: chr10-69386368-G-A. GRCh37 (hg19) VCF-style: chr10-71146124-G-A.
Other names: c.1897G>A, p.Val633Met (NM_033497.3, NM_033498.3, NM_001322364.2 and 1 more transcripts); c.1849G>A, p.Val617Met (NM_033500.2); c.1990G>A, p.Val664Met (NM_001322365.2); c.1801G>A, p.Val601Met (NM_001322366.1); c.1789G>A, p.Val597Met (NM_001322367.1); c.1882G>A, p.Val628Met (NM_033496.3); short protein forms V597M, V601M, V617M, V628M, V629M, V633M, V664M.
Identifiers: ClinVar variation 1006734 (VCV001006734.12), dbSNP rs751479272, ClinGen allele CA5532716.